The following is an entry in ClinVar:

ClinVar aggregate classification (germline): Likely pathogenic. Review status: criteria provided, multiple submitters, no conflicts (2 of 4 stars). 3 submissions from 3 submitters: Likely pathogenic (3). Last evaluated 2026-05-06.

Conditions:
Deficiency of acetyl-CoA acetyltransferase. Also called: 3-KETOTHIOLASE DEFICIENCY; 3-OXOTHIOLASE DEFICIENCY; MITOCHONDRIAL ACETOACETYL-CoA THIOLASE DEFICIENCY; Beta-ketothiolase deficiency. Identifiers: Orphanet 134, MedGen C1536500, MONDO:0008760, OMIM 203750. Disease mechanism: loss of function.

Allele frequency attached by ClinVar (database versions not stated): gnomAD exomes below 0.00001.
gnomAD v4.1: 2 of 1,613,950 alleles (0.00012%); highest among the groups gnomAD compares: Non-Finnish European, 0.00017%; no homozygotes.

Submissions (3):

Women's Health and Genetics/Laboratory Corporation of America, LabCorp
Classification: Likely pathogenic for Deficiency of acetyl-CoA acetyltransferase. Last evaluated: 2026-05-06. Review status: criteria provided, single submitter. Criteria: LabCorp Variant Classification Summary - May 2015. Collection method: clinical testing. Allele origin: germline.
Comment: Variant summary: ACAT1 c.1168T>C (p.Ser390Pro) results in a non-conservative amino acid change in the encoded protein sequence. Algorithms developed to predict the effect of missense changes on protein structure and function all suggest that this variant is likely to be disruptive. The variant was absent in 251392 control chromosomes. c.1168T>C has been observed in individual(s) affected with Alpha-Methylacetoacetic Aciduria (Fukao_2012). At least one publication reports experimental evidence evaluating an impact on protein function. The most pronounced variant effect results in an absence of normal acetoacetyl-CoA thiolase activity in transfected cells (Fukao_2012). The following publication has been ascertained in the context of this evaluation (PMID: 23430882). ClinVar contains an entry for this variant (Variation ID: 666532). Based on the evidence outlined above, the variant was classified as likely pathogenic.

Natera, Inc.
Classification: Likely pathogenic for Alpha-methylacetoacetic aciduria. Last evaluated: 2025-08-25. Review status: criteria provided, single submitter. Criteria: Natera Variant Classification Schema (03/2026). Collection method: clinical testing. Allele origin: germline.
Comment: The c.1168T>C variant in ACAT1 is a missense variant predicted to cause substitution of serine to proline at amino acid 390. This variant is rare in the general population with a frequency below the threshold expected for the associated phenotype(s). This variant has been observed in one or more individuals affected with the associated recessive disease, as either homozygous or compound heterozygous with a second variant (PMID: 23430882). Functional studies show that this variant may disrupt protein function (PMID: 23430882). Computational prediction algorithms indicate this variant is likely to affect gene or protein function. Given the available evidence, this variant is classified as Likely Pathogenic.

Department of Pediatrics, Gifu University
Classification: Likely pathogenic for Deficiency of acetyl-CoA acetyltransferase. Last evaluated: 2019-05-05. Review status: criteria provided, single submitter. Criteria: ACMG Guidelines, 2015. Collection method: research. Allele origin: germline. Affected: yes. Observed: 1 variant allele.

Literature cited by the submitters: PubMed 23430882 (cited by 3 submitters); PubMed 31268215 (cited by Department of Pediatrics, Gifu University).

NM_000019.4(ACAT1):c.1168T>C (p.Ser390Pro)

Gene: ACAT1 (acetyl-CoA acetyltransferase 1; plus strand). Cytogenetic location: 11q22.3.
Variant type: single nucleotide variant.
Coding change: c.1168T>C on transcript NM_000019.4 (MANE Select); coding-DNA position 1168, T replaced by C.
Protein change: p.Ser390Pro; replaces serine 390 with proline.
Molecular consequence: missense variant.
Genome position (GRCh38, 1-based): chr11:108,147,274, T>C. VCF-style: chr11-108147274-T-C. GRCh37 (hg19) VCF-style: chr11-108018001-T-C.
Other names: short protein forms S390P.
Identifiers: ClinVar variation 666532 (VCV000666532.4), dbSNP rs1184088336, ClinGen allele CA382508700.